The following is an entry in ClinVar:

ClinVar aggregate classification (germline): Uncertain significance (1 of 4 stars; one submission).

Allele frequency attached by ClinVar (database versions not stated): ExAC 0.00001.
gnomAD v4.1: 8 of 1,573,198 alleles (0.00051%); highest among the groups gnomAD compares: Non-Finnish European, 0.0006%; no homozygotes.

Submission:

Labcorp Genetics (formerly Invitae), Labcorp
Classification: Uncertain significance. Last evaluated: 2023-10-03. Review status: criteria provided, single submitter. Criteria: Invitae Variant Classification Sherloc (09022015). Collection method: clinical testing. Allele origin: germline.
Comment: This sequence change replaces valine, which is neutral and non-polar, with leucine, which is neutral and non-polar, at codon 328 of the TUBGCP4 protein (p.Val328Leu). This variant is present in population databases (rs751483378, gnomAD 0.002%). This variant has not been reported in the literature in individuals affected with TUBGCP4-related conditions. ClinVar contains an entry for this variant (Variation ID: 2089323). Advanced modeling of protein sequence and biophysical properties (such as structural, functional, and spatial information, amino acid conservation, physicochemical variation, residue mobility, and thermodynamic stability) performed at Invitae indicates that this missense variant is not expected to disrupt TUBGCP4 protein function. In summary, the available evidence is currently insufficient to determine the role of this variant in disease. Therefore, it has been classified as a Variant of Uncertain Significance.

NM_014444.5(TUBGCP4):c.982G>T (p.Val328Leu)

Gene: TUBGCP4 (tubulin gamma complex component 4; plus strand). Cytogenetic location: 15q15.3.
Variant type: single nucleotide variant.
Coding change: c.982G>T on transcript NM_014444.5 (MANE Select); coding-DNA position 982, G replaced by T.
Protein change: p.Val328Leu; replaces valine 328 with leucine.
Molecular consequence: missense variant.
Genome position (GRCh38, 1-based): chr15:43,386,298, G>T. VCF-style: chr15-43386298-G-T. GRCh37 (hg19) VCF-style: chr15-43678496-G-T.
Other names: c.982G>T, p.Val328Leu (NM_001286414.3); short protein forms V328L.
Identifiers: ClinVar variation 2089323 (VCV002089323.4), dbSNP rs751483378, ClinGen allele CA7523925.